The following is an entry in ClinVar:

ClinVar aggregate classification (germline): Uncertain significance (1 of 4 stars; one submission).

Conditions:
Arrhythmogenic cardiomyopathy with wooly hair and keratoderma. Also called: PALMOPLANTAR KERATODERMA WITH LEFT VENTRICULAR CARDIOMYOPATHY AND WOOLLY HAIR; Carvajal syndrome; Dilated cardiomyopathy with woolly hair and keratoderma; Arrhythmogenic cardiomyopathy with woolly hair and keratoderma. Identifiers: Orphanet 65282, MedGen C1854063, MONDO:0011581, OMIM 605676.
Arrhythmogenic right ventricular dysplasia 8 (ARVD8). Also called: Arrhythmogenic Right Ventricular Dysplasia/Cardiomyopathy 8; ARRHYTHMOGENIC RIGHT VENTRICULAR DYSPLASIA, FAMILIAL, 8; ARRHYTHMOGENIC RIGHT VENTRICULAR CARDIOMYOPATHY 8. Identifiers: MedGen C1843896, MONDO:0011831, OMIM 607450.

Allele frequency attached by ClinVar (database versions not stated): gnomAD exomes below 0.00001.
gnomAD v4.1: 2 of 1,613,988 alleles (0.00012%); highest among the groups gnomAD compares: Non-Finnish European, 0.00017%; no homozygotes.

Submission:

Labcorp Genetics (formerly Invitae), Labcorp
Classification: Uncertain significance for Arrhythmogenic cardiomyopathy with wooly hair and keratoderma; Arrhythmogenic right ventricular dysplasia 8. Last evaluated: 2023-02-10. Review status: criteria provided, single submitter. Criteria: Invitae Variant Classification Sherloc (09022015). Collection method: clinical testing. Allele origin: germline.
Comment: In summary, the available evidence is currently insufficient to determine the role of this variant in disease. Therefore, it has been classified as a Variant of Uncertain Significance. Algorithms developed to predict the effect of missense changes on protein structure and function are either unavailable or do not agree on the potential impact of this missense change (SIFT: "Tolerated"; PolyPhen-2: "Possibly Damaging"; Align-GVGD: "Class C0"). This variant has not been reported in the literature in individuals affected with DSP-related conditions. This variant is not present in population databases (gnomAD no frequency). This sequence change replaces glutamine, which is neutral and polar, with glutamic acid, which is acidic and polar, at codon 884 of the DSP protein (p.Gln884Glu).

NM_004415.4(DSP):c.2650C>G (p.Gln884Glu)

Gene: DSP (desmoplakin; plus strand). Cytogenetic location: 6p24.3.
Variant type: single nucleotide variant.
Coding change: c.2650C>G on transcript NM_004415.4 (MANE Select); coding-DNA position 2650, C replaced by G.
Protein change: p.Gln884Glu; replaces glutamine 884 with glutamic acid.
Molecular consequence: missense variant.
Genome position (GRCh38, 1-based): chr6:7,576,313, C>G. VCF-style: chr6-7576313-C-G. GRCh37 (hg19) VCF-style: chr6-7576546-C-G.
Other names: c.2650C>G, p.Gln884Glu (NM_001008844.3, NM_001319034.2); short protein forms Q884E.
Identifiers: ClinVar variation 2950338 (VCV002950338.3), dbSNP rs2113686466, ClinGen allele CA362681823.